The following is an entry in ClinVar:

NM_000548.5(TSC2):c.5221A>G (p.Ile1741Val)

Gene: TSC2 (TSC complex subunit 2; plus strand). Cytogenetic location: 16p13.3.
Variant type: single nucleotide variant.
Coding change: c.5221A>G on transcript NM_000548.5 (MANE Select); coding-DNA position 5221, A replaced by G.
Protein change: p.Ile1741Val; replaces isoleucine 1741 with valine.
Molecular consequence: missense variant.
Genome position (GRCh38, 1-based): chr16:2,088,287, A>G. VCF-style: chr16-2088287-A-G. GRCh37 (hg19) VCF-style: chr16-2138288-A-G.
Other names: c.5020A>G, p.Ile1674Val (NM_001077183.3); c.5152A>G, p.Ile1718Val (NM_001114382.3); c.4912A>G, p.Ile1638Val (NM_001318827.2); c.4876A>G, p.Ile1626Val (NM_001318829.2); c.4489A>G, p.Ile1497Val (NM_001318831.2); c.5053A>G, p.Ile1685Val (NM_001318832.2); c.5023A>G, p.Ile1675Val (NM_001363528.2); c.5089A>G, p.Ile1697Val (NM_001370404.1); and 2 more; short protein forms I1741V, I1675V, I1697V, I1698V, I1638V, I1718V, I1674V, I1497V.
Identifiers: ClinVar variation 406082 (VCV000406082.27), dbSNP rs140526185, ClinGen allele CA054501.
Genomic context (GRCh38, chr16:2,088,287, plus strand): 5'-ATGGCCTCACAGGTGCATCATAGCCGCTCCAACCCCACCGATATCTACCCCTCCAAGTGG[A>G]TTGCCCGGCTCCGCCACATCAAGCGGCTCCGCCAGCGGGTAGGGAATATGGGGCTCCCTC-3'
Protein context (NP_000539.2, residues 1731-1751): NPTDIYPSKW[Ile1741Val]ARLRHIKRLR

ClinVar aggregate classification (germline): Conflicting classifications of pathogenicity. Review status: criteria provided, conflicting classifications (1 of 4 stars). 8 submissions from 8 submitters: Uncertain significance (6); Benign (1); Likely benign (1). Last evaluated 2026-04-23.

Conditions:
Tuberous sclerosis 2 (TSC2). Identifiers: Orphanet 805, MedGen C1860707, MONDO:0013199, OMIM 613254.
Isolated focal cortical dysplasia type II (FCORD2). Also called: CORTICAL DYSPLASIA OF TAYLOR; Focal cortical dysplasia type II. Identifiers: Orphanet 268994, MedGen C1846385, MONDO:0011818, OMIM 607341, HP:0032051.
Lymphangiomyomatosis (LAM). Also called: Lymphangioleiomyomatosis; Lymphangioleiomyomatosis, somatic. Identifiers: Orphanet 538, MedGen C0751674, MONDO:0011705, OMIM 606690.
Hereditary cancer-predisposing syndrome. Also called: Neoplastic Syndromes, Hereditary; Tumor predisposition; Hereditary Cancer Syndrome; Hereditary neoplastic syndrome. Identifiers: Orphanet 140162, MedGen C0027672, MeSH D009386, MONDO:0015356.
Tuberous sclerosis syndrome (TSC). Also called: Tuberous Sclerosis Complex; Tuberous sclerosis. Identifiers: Orphanet 805, MedGen C0041341, MONDO:0001734.

Allele frequency attached by ClinVar (database versions not stated): ExAC below 0.00001; gnomAD 0.00001; TOPMed 0.00002; ESP Exome Variant Server 0.00008.
gnomAD v4.1: 2 of 1,612,766 alleles (0.00012%); highest among the groups gnomAD compares: African/African-American, 0.0027%; no homozygotes.

Submissions (8):

Ambry Genetics
Classification: Likely benign for Hereditary cancer-predisposing syndrome. Last evaluated: 2026-04-23. Review status: criteria provided, single submitter. Criteria: Ambry Variant Classification Scheme 2023. Collection method: clinical testing. Allele origin: germline.

Labcorp Genetics (formerly Invitae), Labcorp
Classification: Benign for Tuberous sclerosis 2. Last evaluated: 2025-12-16. Review status: criteria provided, single submitter. Criteria: Invitae Variant Classification Sherloc (09022015). Collection method: clinical testing. Allele origin: germline.

Color Diagnostics, LLC DBA Color Health
Classification: Uncertain significance for Tuberous sclerosis syndrome. Last evaluated: 2025-10-01. Review status: criteria provided, single submitter. Criteria: ACMG Guidelines, 2015. Collection method: clinical testing. Allele origin: germline.
Comment: This missense variant replaces isoleucine with valine at codon 1741 of the TSC2 protein. Computational prediction suggests that this variant may have deleterious impact on protein structure and function. To our knowledge, functional studies have not been reported for this variant. This variant has not been reported in individuals affected with TSC2-related disorders in the literature. This variant has been identified in 2/152160 chromosomes in the general population by the Genome Aggregation Database (gnomAD). The available evidence is insufficient to determine the role of this variant in disease conclusively. Therefore, this variant is classified as a Variant of Uncertain Significance.

GeneDx
Classification: Uncertain significance. Last evaluated: 2024-12-02. Review status: criteria provided, single submitter. Criteria: GeneDx Variant Classification Process June 2021. Collection method: clinical testing. Allele origin: germline. Affected: yes.
Comment: Not observed at significant frequency in large population cohorts (gnomAD); In silico analysis indicates that this missense variant does not alter protein structure/function; Has not been previously published as pathogenic or benign to our knowledge

Blueprint Genetics
Classification: Uncertain significance. Last evaluated: 2024-11-07. Review status: criteria provided, single submitter. Criteria: ACMG Guidelines, 2015. Collection method: clinical testing. Allele origin: germline.

Fulgent Genetics
Classification: Uncertain significance for Lymphangiomyomatosis; Isolated focal cortical dysplasia type II; Tuberous sclerosis 2. Last evaluated: 2024-06-04. Review status: criteria provided, single submitter. Criteria: ACMG Guidelines, 2015. Collection method: clinical testing. Allele origin: germline.

Baylor Genetics
Classification: Uncertain significance for Isolated focal cortical dysplasia type II. Last evaluated: 2023-06-15. Review status: criteria provided, single submitter. Criteria: ACMG Guidelines, 2015. Collection method: clinical testing. Allele origin: unknown.

Genome-Nilou Lab
Classification: Uncertain significance for Tuberous sclerosis 2. Last evaluated: 2021-11-07. Review status: criteria provided, single submitter. Criteria: ACMG Guidelines, 2015. Collection method: clinical testing. Allele origin: germline. Affected: no.